The following is an entry in ClinVar:

ClinVar aggregate classification (germline): Pathogenic (1 of 4 stars; one submission).

Conditions:
Hereditary breast ovarian cancer syndrome. Also called: Hereditary breast and ovarian cancer syndrome; BRCA1- and BRCA2-Associated Hereditary Breast and Ovarian Cancer; Hereditary breast and/or ovarian cancer syndrome; Hereditary breast and ovarian cancer; Hereditary breast and ovarian cancer syndrome (HBOC); Breast and ovarian cancer. Identifiers: Orphanet 145, MedGen C0677776, MeSH D061325, MONDO:0003582. Disease mechanism: loss of function.

Submission:

Labcorp Genetics (formerly Invitae), Labcorp
Classification: Pathogenic for Hereditary breast ovarian cancer syndrome. Last evaluated: 2022-04-12. Review status: criteria provided, single submitter. Criteria: Invitae Variant Classification Sherloc (09022015). Collection method: clinical testing. Allele origin: germline.
Comment: For these reasons, this variant has been classified as Pathogenic. ClinVar contains an entry for this variant (Variation ID: 855384). This variant has not been reported in the literature in individuals affected with BRCA2-related conditions. This variant is not present in population databases (gnomAD no frequency). This sequence change creates a premature translational stop signal (p.Cys1591*) in the BRCA2 gene. It is expected to result in an absent or disrupted protein product. Loss-of-function variants in BRCA2 are known to be pathogenic (PMID: 20104584).

Literature cited by the submitters: PubMed 20104584.

NM_000059.4(BRCA2):c.4772_4773del (p.Lys1590_Cys1591insTer)

Gene: BRCA2 (BRCA2 DNA repair associated; plus strand). Cytogenetic location: 13q13.1.
Variant type: Microsatellite.
Coding change: c.4772_4773del on transcript NM_000059.4 (MANE Select); coding-DNA positions 4772 to 4773, 2 bases deleted (GT; older notation c.4772_4773delGT).
Protein change: p.Lys1590_Cys1591insTer.
Molecular consequence: nonsense.
Genome position (GRCh38, 1-based): chr13:32,339,127-32,339,128, GT deleted; deleting any 2 consecutive bases within chr13:32,339,125-32,339,128 gives the same sequence; the c. name uses the placement nearest the transcript's 3' end. VCF-style (leftmost placement, unchanged base first): chr13-32339124-AGT-A. GRCh37 (hg19) VCF-style: chr13-32913261-AGT-A.
Identifiers: ClinVar variation 855384 (VCV000855384.8), dbSNP rs2072512484, ClinGen allele CA916080551.